The following is an entry in ClinVar:

ClinVar aggregate classification (germline): Pathogenic/Likely pathogenic. Review status: criteria provided, multiple submitters, no conflicts (2 of 4 stars). 2 submissions from 2 submitters: Pathogenic (1); Likely pathogenic (1). Last evaluated 2024-01-02.

Conditions:
ALG6-congenital disorder of glycosylation 1C (CDG1C). Also called: CARBOHYDRATE-DEFICIENT GLYCOPROTEIN SYNDROME, TYPE I, WITH DEFICIENT GLYCOSYLATION OF DOLICHOL-LINKED OLIGOSACCHARIDE; CARBOHYDRATE-DEFICIENT GLYCOPROTEIN SYNDROME, TYPE V; Congenital disorder of glycosylation type 1C; CDG Ic; Congenital disorder of glycosylation, type Ic. Identifiers: Orphanet 79320, MedGen C2930997, MONDO:0011291, OMIM 603147.

Submissions (2):

Fulgent Genetics
Classification: Likely pathogenic for ALG6-congenital disorder of glycosylation 1C. Last evaluated: 2024-01-02. Review status: criteria provided, single submitter. Criteria: ACMG Guidelines, 2015. Collection method: clinical testing. Allele origin: germline.

Labcorp Genetics (formerly Invitae), Labcorp
Classification: Pathogenic for ALG6-congenital disorder of glycosylation 1C. Last evaluated: 2019-09-27. Review status: criteria provided, single submitter. Criteria: Invitae Variant Classification Sherloc (09022015). Collection method: clinical testing. Allele origin: germline.
Comment: This variant has not been reported in the literature in individuals with ALG6-related conditions. This variant is not present in population databases (ExAC no frequency). This sequence change creates a premature translational stop signal (p.Gln165Serfs*3) in the ALG6 gene. It is expected to result in an absent or disrupted protein product. For these reasons, this variant has been classified as Pathogenic. Loss-of-function variants in ALG6 are known to be pathogenic (PMID: 19862844).

Literature cited by the submitters: PubMed 19862844 (cited by Labcorp Genetics (formerly Invitae), Labcorp).

NM_013339.4(ALG6):c.492dup (p.Gln165fs)

Gene: ALG6 (ALG6 alpha-1,3-glucosyltransferase; plus strand). Cytogenetic location: 1p31.3.
Variant type: Duplication.
Coding change: c.492dup on transcript NM_013339.4 (MANE Select); coding-DNA position 492, one base duplicated (T; older notation c.492dupT).
Protein change: p.Gln165fs; shifts the reading frame from glutamine 165.
Molecular consequence: frameshift variant.
Genome position (GRCh38, 1-based): chr1:63,407,124, T duplicated; the last of 4 consecutive T bases (chr1:63,407,121-63,407,124); duplicating any one gives the same sequence. VCF-style (leftmost placement, unchanged base first): chr1-63407120-A-AT. GRCh37 (hg19) VCF-style: chr1-63872791-A-AT.
Other names: short protein forms Q165fs.
Identifiers: ClinVar variation 849281 (VCV000849281.9), dbSNP rs1644493041, ClinGen allele CA916082035.
Genomic context (GRCh38, chr1:63,407,120, plus strand): 5'-AGATTGCTAATGCATTATGCATCTTGCTGTATCCAGGCCTTATTCTTATAGACTATGGAC[A>AT]TTTTCAGTATCCTTTACTAATGCAGAAATGAAGTCAGTTGCATATTGTGAAATCTAGACT-3'